The following is an entry in ClinVar:

NM_006231.4(POLE):c.2949G>T (p.Lys983Asn)

Gene: POLE (DNA polymerase epsilon, catalytic subunit; minus strand). Cytogenetic location: 12q24.33.
Variant type: single nucleotide variant.
Coding change: c.2949G>T on transcript NM_006231.4 (MANE Select); coding-DNA position 2949, G replaced by T.
Protein change: p.Lys983Asn; replaces lysine 983 with asparagine.
Molecular consequence: missense variant.
Genome position (GRCh38, 1-based): chr12:132,661,080, C>A on the plus strand (G>T on the coding strand, the complement: POLE is on the minus strand). VCF-style: chr12-132661080-C-A. GRCh37 (hg19) VCF-style: chr12-133237666-C-A.
Other names: c.2949G>T (NM_006231.2); short protein forms K983N.
Identifiers: ClinVar variation 2700964 (VCV002700964.4), dbSNP rs1213321495, ClinGen allele CA387392532.

ClinVar aggregate classification (germline): Uncertain significance. Review status: criteria provided, multiple submitters, no conflicts (2 of 4 stars). 2 submissions from 2 submitters: Uncertain significance (2). Last evaluated 2024-03-06.

Conditions:
Hereditary cancer-predisposing syndrome. Also called: Neoplastic Syndromes, Hereditary; Tumor predisposition; Hereditary neoplastic syndrome; Hereditary Cancer Syndrome. Identifiers: Orphanet 140162, MedGen C0027672, MeSH D009386, MONDO:0015356.

Submissions (2):

Ambry Genetics
Classification: Uncertain significance for Hereditary cancer-predisposing syndrome. Last evaluated: 2024-03-06. Review status: criteria provided, single submitter. Criteria: Ambry Variant Classification Scheme 2023. Collection method: clinical testing. Allele origin: germline.
Comment: The p.K983N variant (also known as c.2949G>T), located in coding exon 25 of the POLE gene, results from a G to T substitution at nucleotide position 2949. The lysine at codon 983 is replaced by asparagine, an amino acid with similar properties. This amino acid position is conserved. In addition, this alteration is predicted to be tolerated by in silico analysis. Based on the available evidence, the clinical significance of this alteration remains unclear.

Labcorp Genetics (formerly Invitae), Labcorp
Classification: Uncertain significance. Last evaluated: 2023-12-05. Review status: criteria provided, single submitter. Criteria: Invitae Variant Classification Sherloc (09022015). Collection method: clinical testing. Allele origin: germline.
Comment: This sequence change replaces lysine, which is basic and polar, with asparagine, which is neutral and polar, at codon 983 of the POLE protein (p.Lys983Asn). This variant is not present in population databases (gnomAD no frequency). This variant has not been reported in the literature in individuals affected with POLE-related conditions. Advanced modeling of protein sequence and biophysical properties (such as structural, functional, and spatial information, amino acid conservation, physicochemical variation, residue mobility, and thermodynamic stability) performed at Invitae indicates that this missense variant is expected to disrupt POLE protein function with a positive predictive value of 80%. In summary, the available evidence is currently insufficient to determine the role of this variant in disease. Therefore, it has been classified as a Variant of Uncertain Significance.